The following is an entry in ClinVar:

NM_000030.3(AGXT):c.679_680+2del

Gene: AGXT (alanine--glyoxylate aminotransferase; plus strand). Cytogenetic location: 2q37.3.
Variant type: Deletion.
Coding change: c.679_680+2del on transcript NM_000030.3 (MANE Select); coding-DNA position 679 through the canonical splice donor site of the intron after coding-DNA position 680, 4 bases deleted (AAGT; older notation c.679_680+2delAAGT).
Molecular consequence: splice donor variant.
Genome position (GRCh38, 1-based): chr2:240,874,061-240,874,064, AAGT deleted. VCF-style (leftmost placement, unchanged base first): chr2-240874060-CAAGT-C. GRCh37 (hg19) VCF-style: chr2-241813477-CAAGT-C.
Other names: NP_000021.1:p.Lys227Glu; c.679_680+2del (NM_000030.2); c.679_680+2delAAGT (NM_000030.3).
Identifiers: ClinVar variation 204195 (VCV000204195.17), dbSNP rs180177255, ClinGen allele CA275847.
Genomic context (GRCh38, chr2:240,874,060, plus strand): 5'-CTCCCAGAAGGCCCTGAACGCCCCTCCAGGGACCTCGCTCATCTCCTTCAGTGACAAGGC[CAAGT>C]GAGTGACCCACAGACCCTCACCTCTGTGCAGGGCTGGGCTTGCAGGGAGCTCAGGTGGCC-3'

ClinVar aggregate classification (germline): Pathogenic. Review status: criteria provided, multiple submitters, no conflicts (2 of 4 stars). 6 submissions from 6 submitters: Pathogenic (4). 2 of the submissions do not count toward it. Last evaluated 2026-01-25.

Conditions:
Primary hyperoxaluria, type I (HP1). Also called: Primary hyperoxaluria type 1; GLYCOLIC ACIDURIA; HEPATIC AGT DEFICIENCY; OXALOSIS I. Identifiers: Orphanet 416, Orphanet 93598, MedGen C0268164, MONDO:0009823, OMIM 259900. Disease mechanism: loss of function.

Allele frequency attached by ClinVar (database versions not stated): gnomAD exomes below 0.00001 and 0.00001; ExAC 0.00001.

Submissions (6):

Natera, Inc.
Classification: Pathogenic for Primary hyperoxaluria type I. Last evaluated: 2026-01-25. Review status: criteria provided, single submitter. Criteria: Natera Variant Classification Schema (03/2026). Collection method: clinical testing. Allele origin: germline.
Comment: The c.679_680+2delAAGT variant in AGXT is a canonical splice donor site variant predicted to affect pre-mRNA splicing, which may result in an abnormal transcript and altered protein product. This variant is expected to result in nonsense mediated decay, truncation, or a dysfunctional protein product. This variant is rare in the general population with a frequency below the threshold expected for the associated phenotype(s). This variant has been observed in one or more individuals affected with the associated recessive disease, as either homozygous or compound heterozygous with a second variant (PMID: 15110324). Given the available evidence, this variant is classified as Pathogenic.

Myriad Genetics, Inc.
Classification: Pathogenic for Primary hyperoxaluria, type I. Last evaluated: 2025-10-20. Review status: criteria provided, single submitter. Criteria: Myriad Autosomal Dominant, Autosomal Recessive and X-Linked Classification Criteria (2023). Collection method: clinical testing. Allele origin: unknown.
Comment: NM_000030.2(AGXT):c.679_680+2delAAGT is a variant in a canonical splice site classified as pathogenic in the context of primary hyperoxaluria type 1. c.679_680+2delAAGT has been observed in cases with relevant disease (PMID: 11708860, 15110324). Relevant functional assessments of this variant are not available in the literature. c.679_680+2delAAGT has been observed in referenced population frequency databases. In summary, NM_000030.2(AGXT):c.679_680+2delAAGT is a variant in a canonical splice site in a gene where loss of function is a known mechanism of disease, is predicted to disrupt protein function, and has been observed more frequently in cases with the relevant disease than in healthy populations. Please note: this variant was assessed in the context of healthy population screening.

Labcorp Genetics (formerly Invitae), Labcorp
Classification: Pathogenic. Last evaluated: 2023-09-25. Review status: criteria provided, single submitter. Criteria: Invitae Variant Classification Sherloc (09022015). Collection method: clinical testing. Allele origin: germline.
Comment: For these reasons, this variant has been classified as Pathogenic. ClinVar contains an entry for this variant (Variation ID: 204195). This variant is also known as 679-(IVS6+2)delAAgt . This variant has been observed in individual(s) with hyperoxaluria (PMID: 11708860). In at least one individual the data is consistent with being in trans (on the opposite chromosome) from a pathogenic variant. This variant is present in population databases (rs180177255, gnomAD 0.02%). This variant results in the deletion of part of exon 6 (c.679_680+2del) of the AGXT gene. It is expected to disrupt RNA splicing. Variants that disrupt the donor or acceptor splice site typically lead to a loss of protein function (PMID: 16199547), and loss-of-function variants in AGXT are known to be pathogenic (PMID: 19479957).

Juno Genomics, Hangzhou Juno Genomics, Inc
Classification: Pathogenic for Primary hyperoxaluria, type I. Review status: criteria provided, single submitter. Criteria: ACMG Guidelines, 2015. Collection method: clinical testing. Allele origin: germline.
Comment: Absent from controls (or at extremely low frequency if recessive) in Genome Aggregation Database.;Null variant in a gene where loss of function (LOF) is a known mechanism of disease.;For recessive disorders, detected in trans with a pathogenic variant.;Patient's phenotype or family history is highly specific for a disease with a single genetic etiology.

Chinese Inherited Urolithiasis Consortium, The Affiliated Yantai Yuhuangding Hospital of Qingdao University
Classification: Pathogenic for Primary hyperoxaluria, type I. Last evaluated: 2024-08-26. Review status: no assertion criteria provided. Collection method: clinical testing. Allele origin: maternal. Affected: yes. Observed: 1 variant allele. Not counted in ClinVar's aggregate classification.

Clinical Biochemistry Laboratory, Health Services Laboratory
Classification: Pathogenic for Primary hyperoxaluria, type I. Last evaluated: 2014-11-27. Review status: no assertion criteria provided. Collection method: research. Allele origin: germline. Affected: yes. Not counted in ClinVar's aggregate classification.
Comment: possible missplicing

Literature cited by the submitters: PubMed 15110324 (cited by Natera, Inc. and Myriad Genetics, Inc.); PubMed 11708860 (cited by 3 submitters); PubMed 16199547 (cited by Labcorp Genetics (formerly Invitae), Labcorp); PubMed 19479957 (cited by Labcorp Genetics (formerly Invitae), Labcorp).